The following is an entry in ClinVar:

ClinVar aggregate classification (germline): Uncertain significance. Review status: criteria provided, multiple submitters, no conflicts (2 of 4 stars). 2 submissions from 2 submitters: Uncertain significance (2). Last evaluated 2026-06-16.

Conditions:
BBS5-related disorder. Also called: BBS5-related condition.
Inborn genetic diseases. Identifiers: MedGen C0950123, MeSH D030342.

gnomAD v4.1: 12 of 1,597,044 alleles (0.00075%); highest among the groups gnomAD compares: South Asian, 0.0011%; no homozygotes.

Submissions (2):

PreventionGenetics, part of Exact Sciences
Classification: Uncertain significance for BBS5-related condition. Last evaluated: 2026-06-16. Review status: criteria provided, single submitter. Criteria: ACMG Guidelines, 2015. Collection method: clinical testing. Allele origin: germline.
Comment: The BBS5 c.637G>T variant is predicted to result in the amino acid substitution p.Asp213Tyr. To our knowledge, this variant has not been reported in the literature. This variant is reported in 0.00088% of alleles in individuals of European (Non-Finnish) descent in gnomAD. At this time, the clinical significance of this variant is uncertain due to the absence of conclusive functional and genetic evidence.

Ambry Genetics
Classification: Uncertain significance for Inborn genetic diseases. Last evaluated: 2025-10-07. Review status: criteria provided, single submitter. Criteria: Ambry Variant Classification Scheme 2023. Collection method: clinical testing. Allele origin: germline.

NM_152384.3(BBS5):c.637G>T (p.Asp213Tyr)

Gene: BBS5 (Bardet-Biedl syndrome 5; plus strand). Cytogenetic location: 2q31.1.
Variant type: single nucleotide variant.
Coding change: c.637G>T on transcript NM_152384.3 (MANE Select); coding-DNA position 637, G replaced by T.
Protein change: p.Asp213Tyr; replaces aspartic acid 213 with tyrosine.
Molecular consequence: missense variant.
Genome position (GRCh38, 1-based): chr2:169,497,645, G>T. VCF-style: chr2-169497645-G-T. GRCh37 (hg19) VCF-style: chr2-170354155-G-T.
Other names: short protein forms D213Y.
Identifiers: ClinVar variation 4595153 (VCV004595153.2).
Genomic context (GRCh38, chr2:169,497,645, plus strand): 5'-TAATAAAAACTTGCATGTTTTTCTTTTTCATTTTGTATCTAGCGTTCAATAAAGATTAGA[G>T]ATTCAAAATTTGGTTTAGCTCTTGTCATAGAAAGCTCTCAGCAGGTAAGATCTTGTATAT-3'
Protein context (NP_689597.1, residues 203-223): YLQIRSIKIR[Asp213Tyr]SKFGLALVIE